The following is an entry in ClinVar:

NM_001286.5(CLCN6):c.1103C>T (p.Pro368Leu)

Gene: CLCN6 (chloride voltage-gated channel 6; plus strand). Cytogenetic location: 1p36.22.
Variant type: single nucleotide variant.
Coding change: c.1103C>T on transcript NM_001286.5 (MANE Select); coding-DNA position 1103, C replaced by T.
Protein change: p.Pro368Leu; replaces proline 368 with leucine.
Molecular consequence: missense variant. On other transcripts: non-coding transcript variant (1).
Genome position (GRCh38, 1-based): chr1:11,828,606, C>T. VCF-style: chr1-11828606-C-T. GRCh37 (hg19) VCF-style: chr1-11888663-C-T.
Other names: c.1037C>T, p.Pro346Leu (NM_001256959.2); short protein forms P346L, P368L.
Identifiers: ClinVar variation 2894530 (VCV002894530.3), dbSNP rs771858530, ClinGen allele CA596329.

ClinVar aggregate classification (germline): Uncertain significance (1 of 4 stars; one submission).

Allele frequency attached by ClinVar (database versions not stated): TOPMed below 0.00001; gnomAD exomes 0.00001; ExAC 0.00004.
gnomAD v4.1: 16 of 1,610,838 alleles (0.00099%); highest among the groups gnomAD compares: South Asian, 0.012%; no homozygotes.

Submission:

Labcorp Genetics (formerly Invitae), Labcorp
Classification: Uncertain significance. Last evaluated: 2024-10-17. Review status: criteria provided, single submitter. Criteria: Invitae Variant Classification Sherloc (09022015). Collection method: clinical testing. Allele origin: germline.
Comment: This sequence change replaces proline, which is neutral and non-polar, with leucine, which is neutral and non-polar, at codon 368 of the CLCN6 protein (p.Pro368Leu). This variant is present in population databases (rs771858530, gnomAD 0.02%). This variant has not been reported in the literature in individuals affected with CLCN6-related conditions. An algorithm developed to predict the effect of missense changes on protein structure and function (PolyPhen-2) suggests that this variant is likely to be tolerated. In summary, the available evidence is currently insufficient to determine the role of this variant in disease. Therefore, it has been classified as a Variant of Uncertain Significance.